The following is an entry in ClinVar:

NM_003573.2(LTBP4):c.16+18C>T

Gene: LTBP4 (latent transforming growth factor beta binding protein 4; plus strand). Cytogenetic location: 19q13.2.
Variant type: single nucleotide variant.
Coding change: c.16+18C>T on transcript NM_003573.2; 18 bases into the intron after coding-DNA position 16, C replaced by T.
Molecular consequence: intron variant.
Genome position (GRCh38, 1-based): chr19:40,593,199, C>T. VCF-style: chr19-40593199-C-T. GRCh37 (hg19) VCF-style: chr19-41099105-C-T.
Identifiers: ClinVar variation 515656 (VCV000515656.8), dbSNP rs374791501, ClinGen allele CA9447892.
Genomic context (GRCh38, chr19:40,593,199, plus strand): 5'-CGGATTATCAGAGAATCTGGAACACAAATGGGAGACGTAAAAGGTGAGTGCCTCTGAAAC[C>T]GGGGTGTTCTGAAATAGCTGTGCACCTCAAACCCTAATTTTGTTTTTGTTTGTTTGTTTT-3'

ClinVar aggregate classification (germline): Likely benign. Review status: criteria provided, multiple submitters, no conflicts (2 of 4 stars). 3 submissions from 3 submitters: Likely benign (3). Last evaluated 2025-12-17.

Allele frequency attached by ClinVar (database versions not stated): ExAC 0.00006; gnomAD 0.00016; TOPMed 0.00010; ESP Exome Variant Server 0.00017.
gnomAD v4.1: 191 of 1,613,446 alleles (0.012%); highest among the groups gnomAD compares: Non-Finnish European, 0.016%; no homozygotes.

Submissions (3):

Labcorp Genetics (formerly Invitae), Labcorp
Classification: Likely benign. Last evaluated: 2025-12-17. Review status: criteria provided, single submitter. Criteria: Invitae Variant Classification Sherloc (09022015). Collection method: clinical testing. Allele origin: germline.

Blueprint Genetics
Classification: Likely benign. Last evaluated: 2024-09-10. Review status: criteria provided, single submitter. Criteria: ACMG Guidelines, 2015. Collection method: clinical testing. Allele origin: germline.

GeneDx
Classification: Likely benign. Last evaluated: 2018-02-22. Review status: criteria provided, single submitter. Criteria: GeneDx Variant Classification (06012015). Collection method: clinical testing. Allele origin: germline. Affected: yes.
Comment: This variant is considered likely benign or benign based on one or more of the following criteria: it is a conservative change, it occurs at a poorly conserved position in the protein, it is predicted to be benign by multiple in silico algorithms, and/or has population frequency not consistent with disease.